The following is an entry in ClinVar:

NM_003906.5(MCM3AP):c.47C>T (p.Ser16Leu)

Gene: MCM3AP (minichromosome maintenance complex component 3 associated protein; minus strand). Cytogenetic location: 21q22.3.
Variant type: single nucleotide variant.
Coding change: c.47C>T on transcript NM_003906.5 (MANE Select); coding-DNA position 47, C replaced by T.
Protein change: p.Ser16Leu; replaces serine 16 with leucine.
Molecular consequence: missense variant.
Genome position (GRCh38, 1-based): chr21:46,285,240, G>A on the plus strand (C>T on the coding strand, the complement: MCM3AP is on the minus strand). VCF-style: chr21-46285240-G-A. GRCh37 (hg19) VCF-style: chr21-47705154-G-A.
Other names: short protein forms S16L.
Identifiers: ClinVar variation 1500470 (VCV001500470.5), dbSNP rs201727219, ClinGen allele CA10077436.

ClinVar aggregate classification (germline): Uncertain significance. Review status: criteria provided, multiple submitters, no conflicts (2 of 4 stars). 2 submissions from 2 submitters: Uncertain significance (2). Last evaluated 2026-06-24.

Allele frequency attached by ClinVar (database versions not stated): 1000 Genomes Project 30x 0.00016; 1000 Genomes Project 0.00020; gnomAD 0.00001 and 0.00002; TOPMed below 0.00001; ExAC 0.00001; gnomAD exomes 0.00004 and 0.00001.
gnomAD v4.1: 60 of 1,614,034 alleles (0.0037%); highest among the groups gnomAD compares: Non-Finnish European, 0.0047%; no homozygotes.

Submissions (2):

Women's Health and Genetics/Laboratory Corporation of America, LabCorp
Classification: Uncertain significance. Last evaluated: 2026-06-24. Review status: criteria provided, single submitter. Criteria: LabCorp Variant Classification Summary - May 2015. Collection method: clinical testing. Allele origin: germline.
Comment: Variant summary: MCM3AP c.47C>T (p.Ser16Leu) results in a non-conservative amino acid change in the encoded protein sequence. Algorithms developed to predict the effect of missense changes on protein structure and function are either unavailable or do not agree on the potential impact of this missense change. The variant allele was found at a frequency of 1.2e-05 in 251274 control chromosomes. The available data on variant occurrences in the general population are insufficient to allow any conclusion about variant significance. To our knowledge, no occurrence of c.47C>T in individuals affected with MCM3AP-related conditions and no experimental evidence demonstrating its impact on protein function have been reported. ClinVar contains an entry for this variant (Variation ID: 1500470). Based on the evidence outlined above, the variant was classified as uncertain significance.

Labcorp Genetics (formerly Invitae), Labcorp
Classification: Uncertain significance. Last evaluated: 2021-08-07. Review status: criteria provided, single submitter. Criteria: Invitae Variant Classification Sherloc (09022015). Collection method: clinical testing. Allele origin: germline.
Comment: In summary, the available evidence is currently insufficient to determine the role of this variant in disease. Therefore, it has been classified as a Variant of Uncertain Significance. Algorithms developed to predict the effect of missense changes on protein structure and function output the following: SIFT: "Tolerated"; PolyPhen-2: "Benign"; Align-GVGD: "Class C0". The leucine amino acid residue is found in multiple mammalian species, which suggests that this missense change does not adversely affect protein function. This variant has not been reported in the literature in individuals affected with MCM3AP-related conditions. This variant is present in population databases (rs201727219, ExAC 0.002%). This sequence change replaces serine with leucine at codon 16 of the MCM3AP protein (p.Ser16Leu). The serine residue is weakly conserved and there is a large physicochemical difference between serine and leucine.